The following is an entry in ClinVar:

ClinVar aggregate classification (germline): Uncertain significance. Review status: criteria provided, multiple submitters, no conflicts (2 of 4 stars). 2 submissions from 2 submitters: Uncertain significance (2). Last evaluated 2024-05-29.

Conditions:
Hereditary cancer-predisposing syndrome. Also called: Hereditary neoplastic syndrome; Tumor predisposition; Neoplastic Syndromes, Hereditary; Hereditary Cancer Syndrome. Identifiers: Orphanet 140162, MedGen C0027672, MeSH D009386, MONDO:0015356.

Allele frequency attached by ClinVar (database versions not stated): gnomAD exomes below 0.00001.
gnomAD v4.1: 1 of 1,613,924 alleles (0.000062%); highest among the groups gnomAD compares: Admixed American, 0.0017%; no homozygotes.

Submissions (2):

Ambry Genetics
Classification: Uncertain significance for Hereditary cancer-predisposing syndrome. Last evaluated: 2024-05-29. Review status: criteria provided, single submitter. Criteria: Ambry Variant Classification Scheme 2023. Collection method: clinical testing. Allele origin: germline.
Comment: The p.D358G variant (also known as c.1073A>G), located in coding exon 8 of the RAD50 gene, results from an A to G substitution at nucleotide position 1073. The aspartic acid at codon 358 is replaced by glycine, an amino acid with similar properties. This amino acid position is highly conserved in available vertebrate species. In addition, this alteration is predicted to be tolerated by in silico analysis. Since supporting evidence is limited at this time, the clinical significance of this alteration remains unclear.

Labcorp Genetics (formerly Invitae), Labcorp
Classification: Uncertain significance for Hereditary cancer-predisposing syndrome. Last evaluated: 2022-05-07. Review status: criteria provided, single submitter. Criteria: Invitae Variant Classification Sherloc (09022015). Collection method: clinical testing. Allele origin: germline.
Comment: This sequence change replaces aspartic acid, which is acidic and polar, with glycine, which is neutral and non-polar, at codon 358 of the RAD50 protein (p.Asp358Gly). This variant is present in population databases (no rsID available, gnomAD 0.003%). This variant has not been reported in the literature in individuals affected with RAD50-related conditions. ClinVar contains an entry for this variant (Variation ID: 656488). Algorithms developed to predict the effect of missense changes on protein structure and function are either unavailable or do not agree on the potential impact of this missense change (SIFT: "Deleterious"; PolyPhen-2: "Benign"; Align-GVGD: "Class C0"). Algorithms developed to predict the effect of sequence changes on RNA splicing suggest that this variant may create or strengthen a splice site. In summary, the available evidence is currently insufficient to determine the role of this variant in disease. Therefore, it has been classified as a Variant of Uncertain Significance.

NM_005732.4(RAD50):c.1073A>G (p.Asp358Gly)

Gene: RAD50 (RAD50 double strand break repair protein; plus strand). Cytogenetic location: 5q31.1.
Variant type: single nucleotide variant.
Coding change: c.1073A>G on transcript NM_005732.4 (MANE Select); coding-DNA position 1073, A replaced by G.
Protein change: p.Asp358Gly; replaces aspartic acid 358 with glycine.
Molecular consequence: missense variant.
Genome position (GRCh38, 1-based): chr5:132,588,708, A>G. VCF-style: chr5-132588708-A-G. GRCh37 (hg19) VCF-style: chr5-131924400-A-G.
Other names: short protein forms D358G.
Identifiers: ClinVar variation 656488 (VCV000656488.16), dbSNP rs1185438471, ClinGen allele CA360942101.